The following is an entry in ClinVar:

ClinVar aggregate classification (germline): Likely pathogenic (1 of 4 stars; one submission).

Conditions:
TYR-related disorder. Also called: TYR-related condition.

Submission:

PreventionGenetics, part of Exact Sciences
Classification: Likely pathogenic for TYR-related condition. Last evaluated: 2026-08-06. Review status: criteria provided, single submitter. Criteria: ACMG Guidelines, 2015. Collection method: clinical testing. Allele origin: germline.
Comment: The TYR c.202C>T variant is predicted to result in premature protein termination (p.Gln68*). To our knowledge, this variant has not been reported in the literature. This variant is absent in a large population database (gnomAD), indicating this variant is rare. Nonsense variants in TYR are an established mechanism of disease. This variant is interpreted as likely pathogenic.

NM_000372.5(TYR):c.202C>T (p.Gln68Ter)

Gene: TYR (tyrosinase; plus strand). Cytogenetic location: 11q14.3.
Variant type: single nucleotide variant.
Coding change: c.202C>T on transcript NM_000372.5 (MANE Select); coding-DNA position 202, C replaced by T.
Protein change: p.Gln68Ter; replaces glutamine 68 with a stop codon.
Molecular consequence: nonsense.
Genome position (GRCh38, 1-based): chr11:89,178,155, C>T. VCF-style: chr11-89178155-C-T. GRCh37 (hg19) VCF-style: chr11-88911323-C-T.
Other names: short protein forms Q68*.
Identifiers: ClinVar variation 4994343 (VCV004994343.1).
Genomic context (GRCh38, chr11:89,178,155, plus strand): 5'-CAGCTTTCAGGCAGAGGTTCCTGTCAGAATATCCTTCTGTCCAATGCACCACTTGGGCCT[C>T]AATTTCCCTTCACAGGGGTGGATGACCGGGAGTCGTGGCCTTCCGTCTTTTATAATAGGA-3'